The following is an entry in ClinVar:

NM_032888.4(COL27A1):c.1952G>A (p.Arg651His)

Gene: COL27A1 (collagen type XXVII alpha 1 chain; plus strand). Cytogenetic location: 9q32.
Variant type: single nucleotide variant.
Coding change: c.1952G>A on transcript NM_032888.4 (MANE Select); coding-DNA position 1952, G replaced by A.
Protein change: p.Arg651His; replaces arginine 651 with histidine.
Molecular consequence: missense variant.
Genome position (GRCh38, 1-based): chr9:114,178,334, G>A. VCF-style: chr9-114178334-G-A. GRCh37 (hg19) VCF-style: chr9-116940614-G-A.
Other names: c.1952G>A (NM_032888.2); short protein forms R651H.
Identifiers: ClinVar variation 500320 (VCV000500320.8), dbSNP rs376853468, ClinGen allele CA5201541.

ClinVar aggregate classification (germline): Uncertain significance. Review status: criteria provided, multiple submitters, no conflicts (2 of 4 stars). 4 submissions from 4 submitters: Uncertain significance (4). Last evaluated 2025-07-16.

Conditions:
Inborn genetic diseases. Identifiers: MedGen C0950123, MeSH D030342.

Allele frequency attached by ClinVar (database versions not stated): gnomAD 0.00007; ESP Exome Variant Server 0.00008; TOPMed 0.00010.
gnomAD v4.1: 69 of 1,613,866 alleles (0.0043%); highest among the groups gnomAD compares: Admixed American, 0.025%; no homozygotes.

Submissions (4):

Ambry Genetics
Classification: Uncertain significance for Inborn genetic diseases. Last evaluated: 2025-07-16. Review status: criteria provided, single submitter. Criteria: Ambry Variant Classification Scheme 2023. Collection method: clinical testing. Allele origin: germline.

Women's Health and Genetics/Laboratory Corporation of America, LabCorp
Classification: Uncertain significance. Last evaluated: 2024-06-28. Review status: criteria provided, single submitter. Criteria: LabCorp Variant Classification Summary - May 2015. Collection method: clinical testing. Allele origin: germline.
Comment: Variant summary: COL27A1 c.1952G>A (p.Arg651His) results in a non-conservative amino acid change located in the Thrombospondin-like, N-terminal domain (IPR048287) of the encoded protein sequence. Five of five in-silico tools predict a damaging effect of the variant on protein function. The variant allele was found at a frequency of 4.4e-05 in 249318 control chromosomes. This frequency is not significantly higher than estimated for a pathogenic variant in COL27A1 causing Steel syndrome, allowing no conclusion about variant significance. To our knowledge, no occurrence of c.1952G>A in individuals affected with Steel syndrome and no experimental evidence demonstrating its impact on protein function have been reported. ClinVar contains an entry for this variant (Variation ID: 500320). Based on the evidence outlined above, the variant was classified as uncertain significance.

Labcorp Genetics (formerly Invitae), Labcorp
Classification: Uncertain significance. Last evaluated: 2022-09-23. Review status: criteria provided, single submitter. Criteria: Invitae Variant Classification Sherloc (09022015). Collection method: clinical testing. Allele origin: germline.
Comment: This sequence change replaces arginine, which is basic and polar, with histidine, which is basic and polar, at codon 651 of the COL27A1 protein (p.Arg651His). This variant is present in population databases (rs376853468, gnomAD 0.01%). This variant has not been reported in the literature in individuals affected with COL27A1-related conditions. ClinVar contains an entry for this variant (Variation ID: 500320). Advanced modeling of protein sequence and biophysical properties (such as structural, functional, and spatial information, amino acid conservation, physicochemical variation, residue mobility, and thermodynamic stability) performed at Invitae indicates that this missense variant is expected to disrupt COL27A1 protein function. In summary, the available evidence is currently insufficient to determine the role of this variant in disease. Therefore, it has been classified as a Variant of Uncertain Significance.

Eurofins Ntd Llc (ga)
Classification: Uncertain significance. Last evaluated: 2017-02-02. Review status: criteria provided, single submitter. Criteria: EGL Classification Definitions 2015. Collection method: clinical testing. Allele origin: germline. Observed: 1 variant allele, 1 heterozygote.